The following is an entry in ClinVar:

NM_006667.5(PGRMC1):c.115A>G (p.Ile39Val)

Gene: PGRMC1 (progesterone receptor membrane component 1; plus strand). Cytogenetic location: Xq24.
Variant type: single nucleotide variant.
Coding change: c.115A>G on transcript NM_006667.5 (MANE Select); coding-DNA position 115, A replaced by G.
Protein change: p.Ile39Val; replaces isoleucine 39 with valine.
Molecular consequence: missense variant.
Genome position (GRCh38, 1-based): chrX:119,236,478, A>G. VCF-style: chrX-119236478-A-G. GRCh37 (hg19) VCF-style: chrX-118370441-A-G.
Other names: c.115A>G, p.Ile39Val (NM_001282621.2); short protein forms I39V.
Identifiers: ClinVar variation 4813105 (VCV004813105.1).

ClinVar aggregate classification (germline): Uncertain significance (1 of 4 stars; one submission).

Conditions:
Congenital portosystemic shunt. Identifiers: Orphanet 480531, MedGen C1290495, MONDO:0018811.

gnomAD v4.1: 172 of 1,208,931 alleles (0.014%); highest among the groups gnomAD compares: East Asian, 0.48%; no homozygotes.

Submission:

Department of Pediatrics, Graduate School of Medical Sciences, Kyushu University
Classification: Uncertain significance for Congenital portosystemic shunt. Last evaluated: 2026-02-27. Review status: criteria provided, single submitter. Criteria: ACMG Guidelines, 2015. Collection method: research. Allele origin: germline. Affected: yes.
Comment: The variant is absent or extremely rare in population databases including gnomAD. In silico prediction tools, including CADD, suggest a deleterious effect on the protein. However, the association between this gene and CPSS has not been established. Therefore, the clinical significance of this variant is currently classified as a variant of uncertain significance (VUS).